The following is an entry in ClinVar:

ClinVar aggregate classification (germline): Pathogenic (1 of 4 stars; one submission).

Conditions:
Neurofibromatosis, type 1 (NF1). Also called: Peripheral type neurofibromatosis; Neurofibromatosis, type I; NEUROFIBROMATOSIS, TYPE I, SOMATIC; VON RECKLINGHAUSEN DISEASE. Identifiers: Orphanet 636, MedGen C0027831, MONDO:0018975, OMIM 162200. Disease mechanism: loss of function.

Submission:

Clinical Genetics Laboratory, Skane University Hospital Lund
Classification: Pathogenic for Neurofibromatosis, type 1. Last evaluated: 2026-03-11. Review status: criteria provided, single submitter. Criteria: ACMG Guidelines, 2015. Collection method: clinical testing. Allele origin: germline. Affected: yes.
Comment: NF1 (NM_001042492.3) c.1932del, p.(Met645Trpfs*43) represents a single base pair deletion in exon 17 of 58, resulting in a frameshift and a premature stop codon, and consequently a truncated protein or loss of protein expression from the allele. NF1 c.1932del has not been detected in the general population and has not previously been reported in ClinVar. The variant has been classified as pathogenic based on the following ACMG criteria: PVS1, PM2, PP4.

NM_001042492.3(NF1):c.1932del (p.Met645fs)

Gene: NF1 (neurofibromin 1; plus strand). Cytogenetic location: 17q11.2.
Variant type: Deletion.
Coding change: c.1932del on transcript NM_001042492.3 (MANE Select); coding-DNA position 1932, one base deleted (C; older notation c.1932delC).
Protein change: p.Met645fs; shifts the reading frame from methionine 645.
Molecular consequence: frameshift variant.
Genome position (GRCh38, 1-based): chr17:31,225,181, C deleted; the last of 2 consecutive C bases (chr17:31,225,180-31,225,181); deleting either gives the same sequence. VCF-style (leftmost placement, unchanged base first): chr17-31225179-TC-T. GRCh37 (hg19) VCF-style: chr17-29552197-TC-T.
Other names: c.1932del, p.Met645fs (NM_000267.4); short protein forms M645fs.
Identifiers: ClinVar variation 4813223 (VCV004813223.1).